The following is an entry in ClinVar:

NM_004360.5(CDH1):c.1060G>A (p.Gly354Arg)

Gene: CDH1 (cadherin 1; plus strand). Cytogenetic location: 16q22.1.
Variant type: single nucleotide variant.
Coding change: c.1060G>A on transcript NM_004360.5 (MANE Select); coding-DNA position 1060, G replaced by A.
Protein change: p.Gly354Arg; replaces glycine 354 with arginine.
Molecular consequence: missense variant. On other transcripts: 5 prime UTR variant (2).
Genome position (GRCh38, 1-based): chr16:68,812,186, G>A. VCF-style: chr16-68812186-G-A. GRCh37 (hg19) VCF-style: chr16-68846089-G-A.
Other names: c.1060G>A, p.Gly354Arg (NM_001317184.2); c.-556G>A (NM_001317185.2); c.-760G>A (NM_001317186.2); short protein forms G354R.
Identifiers: ClinVar variation 3488682 (VCV003488682.1).

ClinVar aggregate classification (germline): Uncertain significance (1 of 4 stars; one submission).

Conditions:
Hereditary cancer-predisposing syndrome. Also called: Tumor predisposition; Neoplastic Syndromes, Hereditary; Hereditary Cancer Syndrome; Hereditary neoplastic syndrome. Identifiers: Orphanet 140162, MedGen C0027672, MeSH D009386, MONDO:0015356.

Submission:

Ambry Genetics
Classification: Uncertain significance for Hereditary cancer-predisposing syndrome. Last evaluated: 2024-11-23. Review status: criteria provided, single submitter. Criteria: Ambry Variant Classification Scheme 2023. Collection method: clinical testing. Allele origin: germline.
Comment: The p.G354R variant (also known as c.1060G>A), located in coding exon 8 of the CDH1 gene, results from a G to A substitution at nucleotide position 1060. The glycine at codon 354 is replaced by arginine, an amino acid with dissimilar properties. This amino acid position is conserved. In addition, the in silico prediction for this alteration is inconclusive. Based on the available evidence, the clinical significance of this variant remains unclear.